The following is an entry in ClinVar:

ClinVar aggregate classification (germline): Uncertain significance (1 of 4 stars; one submission).

Conditions:
Cardiovascular phenotype. Identifiers: MedGen CN230736.

Submission:

Ambry Genetics
Classification: Uncertain significance for Cardiovascular phenotype. Last evaluated: 2024-10-22. Review status: criteria provided, single submitter. Criteria: Ambry Variant Classification Scheme 2023. Collection method: clinical testing. Allele origin: germline.
Comment: The p.P40A variant (also known as c.118C>G), located in coding exon 2 of the TBX1 gene, results from a C to G substitution at nucleotide position 118. The proline at codon 40 is replaced by alanine, an amino acid with highly similar properties. This amino acid position is conserved. In addition, this alteration is predicted to be tolerated by in silico analysis. Since supporting evidence is limited at this time, the clinical significance of this alteration remains unclear.

NM_001379200.1(TBX1):c.145C>G (p.Pro49Ala)

Gene: TBX1 (T-box transcription factor 1; plus strand). Cytogenetic location: 22q11.21.
Variant type: single nucleotide variant.
Coding change: c.145C>G on transcript NM_001379200.1 (MANE Select); coding-DNA position 145, C replaced by G.
Protein change: p.Pro49Ala; replaces proline 49 with alanine.
Molecular consequence: missense variant.
Genome position (GRCh38, 1-based): chr22:19,760,988, C>G. VCF-style: chr22-19760988-C-G. GRCh37 (hg19) VCF-style: chr22-19748511-C-G.
Other names: c.118C>G, p.Pro40Ala (NM_005992.1, NM_080646.2, NM_080647.1); short protein forms P40A, P49A.
Identifiers: ClinVar variation 1744480 (VCV001744480.3), dbSNP rs1936638155, ClinGen allele CA410681245.